The following is an entry in ClinVar:

NM_024422.6(DSC2):c.2229A>C (p.Glu743Asp)

Gene: DSC2 (desmocollin 2; minus strand). Cytogenetic location: 18q12.1.
Variant type: single nucleotide variant.
Coding change: c.2229A>C on transcript NM_024422.6 (MANE Select); coding-DNA position 2229, A replaced by C.
Protein change: p.Glu743Asp; replaces glutamic acid 743 with aspartic acid.
Molecular consequence: missense variant.
Genome position (GRCh38, 1-based): chr18:31,070,747, T>G on the plus strand (A>C on the coding strand, the complement: DSC2 is on the minus strand). VCF-style: chr18-31070747-T-G. GRCh37 (hg19) VCF-style: chr18-28650713-T-G.
Other names: c.2229A>C, p.Glu743Asp (NM_004949.5); short protein forms E743D.
Identifiers: ClinVar variation 628760 (VCV000628760.13), dbSNP rs1380094242, ClinGen allele CA402112355.

ClinVar aggregate classification (germline): Uncertain significance. Review status: criteria provided, multiple submitters, no conflicts (2 of 4 stars). 3 submissions from 3 submitters: Uncertain significance (3). Last evaluated 2026-01-14.

Conditions:
Cardiomyopathy (CMYO). Also called: Cardiomyopathies. Identifiers: Orphanet 167848, MedGen C0878544, MONDO:0004994, HP:0001638. Inheritance: Various modes of inheritance.
Arrhythmogenic right ventricular dysplasia 11. Also called: Arrhythmogenic right ventricular dysplasia 11 with mild palmoplantar keratoderma and woolly hair; Arrhythmogenic Right Ventricular Dysplasia/Cardiomyopathy11; ARRHYTHMOGENIC RIGHT VENTRICULAR DYSPLASIA, FAMILIAL, 11. Identifiers: MedGen C1864850, MONDO:0012506, OMIM 610476.
Familial isolated arrhythmogenic right ventricular dysplasia. Identifiers: Orphanet 217656, MedGen C4274968, MONDO:0016342.

Allele frequency attached by ClinVar (database versions not stated): gnomAD exomes 0.00001 and below 0.00001.
gnomAD v4.1: 12 of 1,613,898 alleles (0.00074%); highest among the groups gnomAD compares: South Asian, 0.0011%; no homozygotes.

Submissions (3):

Labcorp Genetics (formerly Invitae), Labcorp
Classification: Uncertain significance for Arrhythmogenic right ventricular dysplasia 11. Last evaluated: 2026-01-14. Review status: criteria provided, single submitter. Criteria: Invitae Variant Classification Sherloc (09022015). Collection method: clinical testing. Allele origin: germline.
Comment: This sequence change replaces glutamic acid, which is acidic and polar, with aspartic acid, which is acidic and polar, at codon 743 of the DSC2 protein (p.Glu743Asp). This variant is present in population databases (no rsID available, gnomAD 0.0009%). This missense change has been observed in individual(s) with dilated cardiomyopathy (PMID: 30847666). ClinVar contains an entry for this variant (Variation ID: 628760). Invitae Evidence Modeling of protein sequence and biophysical properties (such as structural, functional, and spatial information, amino acid conservation, physicochemical variation, residue mobility, and thermodynamic stability) indicates that this missense variant is expected to disrupt DSC2 protein function with a positive predictive value of 80%. In summary, the available evidence is currently insufficient to determine the role of this variant in disease. Therefore, it has been classified as a Variant of Uncertain Significance.

All of Us Research Program, National Institutes of Health
Classification: Uncertain significance for Familial isolated arrhythmogenic right ventricular dysplasia. Last evaluated: 2024-03-05. Review status: criteria provided, single submitter. Criteria: ACMG Guidelines, 2015. Collection method: clinical testing. Allele origin: germline. Inheritance: Autosomal dominant inheritance. Observed: 2 variant alleles, 2 heterozygotes.
Comment: This missense variant replaces glutamic acid with aspartic acid at codon 743 of the DSC2 protein. Computational prediction tools and conservation analyses suggest that this variant may have deleterious impact on the protein function. Computational splicing tools suggest that this variant may not impact RNA splicing. To our knowledge, functional assays have not been performed for this variant nor has this variant been reported in individuals affected with cardiovascular disorders in the literature. This variant has been identified in 1/251308 chromosomes in the general population by the Genome Aggregation Database (gnomAD). Available evidence is insufficient to determine the role of this variant in disease conclusively. Therefore, this variant is classified as a Variant of Uncertain Significance.

This study involves interpretation of variants in research participants for the purpose of population health screening. Participant phenotype was not available at the time of variant classification. Additional details can be found in publication PMID: 35346344, PMCID: PMC8962531

Color Diagnostics, LLC DBA Color Health
Classification: Uncertain significance for Cardiomyopathy. Last evaluated: 2023-10-19. Review status: criteria provided, single submitter. Criteria: ACMG Guidelines, 2015. Collection method: clinical testing. Allele origin: germline.
Comment: This missense variant replaces glutamic acid with aspartic acid at codon 743 of the DSC2 protein. Computational prediction is inconclusive regarding the impact of this variant on protein structure and function (internally defined REVEL score threshold 0.5 < inconclusive < 0.7, PMID: 27666373). To our knowledge, functional studies have not been reported for this variant. This variant has been reported in an individual suspected to be affected with dilated cardiomyopathy (PMID: 30847666). This variant has been identified in 1/251308 chromosomes in the general population by the Genome Aggregation Database (gnomAD). The available evidence is insufficient to determine the role of this variant in disease conclusively. Therefore, this variant is classified as a Variant of Uncertain Significance.

Literature cited by the submitters: PubMed 30847666 (cited by Labcorp Genetics (formerly Invitae), Labcorp and Color Diagnostics, LLC DBA Color Health).